The following is an entry in ClinVar:

ClinVar aggregate classification (germline): Likely benign. Review status: criteria provided, single submitter (1 of 4 stars). 2 submissions from 2 submitters: Likely benign (1). 1 of the submissions does not count toward it. Last evaluated 2025-05-22.

Conditions:
SPEG-related disorder. Also called: SPEG-related condition.

Allele frequency attached by ClinVar (database versions not stated): gnomAD exomes 0.00002; 1000 Genomes Project 30x 0.00016; TOPMed 0.00025; gnomAD 0.00027.

Submissions (2):

Labcorp Genetics (formerly Invitae), Labcorp
Classification: Likely benign. Last evaluated: 2025-05-22. Review status: criteria provided, single submitter. Criteria: Invitae Variant Classification Sherloc (09022015). Collection method: clinical testing. Allele origin: germline.

PreventionGenetics, part of Exact Sciences
Classification: Likely benign for SPEG-related condition. Last evaluated: 2019-12-12. Review status: no assertion criteria provided. Collection method: clinical testing. Allele origin: germline. Not counted in ClinVar's aggregate classification.
Comment: This variant is classified as likely benign based on ACMG/AMP sequence variant interpretation guidelines (Richards et al. 2015 PMID: 25741868, with internal and published modifications).

NM_005876.5(SPEG):c.277C>T (p.Leu93=)

Gene: SPEG (striated muscle enriched protein kinase; plus strand). Cytogenetic location: 2q35.
Variant type: single nucleotide variant.
Coding change: c.277C>T on transcript NM_005876.5 (MANE Select); coding-DNA position 277, C replaced by T.
Protein change: p.Leu93=; no amino-acid change (leucine 93 retained).
Molecular consequence: synonymous variant.
Genome position (GRCh38, 1-based): chr2:219,435,254, C>T. VCF-style: chr2-219435254-C-T. GRCh37 (hg19) VCF-style: chr2-220299976-C-T.
Other names: c.277C>T (NM_005876.4).
Identifiers: ClinVar variation 2414775 (VCV002414775.9), dbSNP rs772918934, ClinGen allele CA2125355.
Genomic context (GRCh38, chr2:219,435,254, plus strand): 5'-AGCCTCCGCTGGTTCCGGGATGGGCAGCTCCTGCCCGCGCCGGCCCCCGAGCCCAGCTGC[C>T]TGTGGCTGCGGCGCTGCGGGGCGCAGGACGCCGGCGTGTACAGCTGCATGGCCCAGAACG-3'
Protein context (NP_005867.3, residues 83-103): LPAPAPEPSC[Leu93=]WLRRCGAQDA